The following is an entry in ClinVar:

ClinVar aggregate classification (germline): Uncertain significance (1 of 4 stars; one submission).

Submission:

GeneDx
Classification: Uncertain significance. Last evaluated: 2023-01-24. Review status: criteria provided, single submitter. Criteria: GeneDx Variant Classification Process June 2021. Collection method: clinical testing. Allele origin: germline. Affected: yes.
Comment: Not observed at significant frequency in large population cohorts (gnomAD); In-frame deletion of one amino acid in a non-repeat region; In silico analysis supports that this variant does not alter protein structure/function; Has not been previously published as pathogenic or benign to our knowledge

NM_001353345.2(SETD1B):c.4613_4615del (p.Arg1538del)

Gene: SETD1B (SET domain containing 1B, histone lysine methyltransferase; plus strand). Cytogenetic location: 12q24.31.
Variant type: Deletion.
Coding change: c.4613_4615del on transcript NM_001353345.2 (MANE Select); coding-DNA positions 4613 to 4615, 3 bases deleted (GAC; older notation c.4613_4615delGAC).
Protein change: p.Arg1538del; deletes arginine 1538.
Molecular consequence: inframe deletion.
Genome position (GRCh38, 1-based): chr12:121,823,192-121,823,194, GAC deleted; deleting any 3 consecutive bases within chr12:121,823,191-121,823,194 gives the same sequence; the c. name uses the placement nearest the transcript's 3' end. VCF-style (leftmost placement, unchanged base first): chr12-121823190-CCGA-C. GRCh37 (hg19) VCF-style: chr12-122261096-CCGA-C.
Other names: short protein forms R1538del.
Identifiers: ClinVar variation 2573906 (VCV002573906.1), dbSNP rs2500235445, ClinGen allele CA2580614590.